The following is an entry in ClinVar:

NM_198334.3(GANAB):c.332C>G (p.Pro111Arg)

Gene: GANAB (glucosidase II alpha subunit; minus strand). Cytogenetic location: 11q12.3.
Variant type: single nucleotide variant.
Coding change: c.332C>G on transcript NM_198334.3 (MANE Select); coding-DNA position 332, C replaced by G.
Protein change: p.Pro111Arg; replaces proline 111 with arginine.
Molecular consequence: missense variant. On other transcripts: 5 prime UTR variant (2), intron variant (2).
Genome position (GRCh38, 1-based): chr11:62,639,031, G>C on the plus strand (C>G on the coding strand, the complement: GANAB is on the minus strand). VCF-style: chr11-62639031-G-C. GRCh37 (hg19) VCF-style: chr11-62406503-G-C.
Other names: c.41C>G, p.Pro14Arg (NM_001278194.2, NM_001329222.2, NM_001329223.2); c.-445C>G (NM_001329224.2, NM_001329225.2); c.332C>G, p.Pro111Arg (NM_198335.4); c.39-4031C>G (NM_001278193.2, NM_001278192.2); short protein forms P111R, P14R.
Identifiers: ClinVar variation 2340079 (VCV002340079.6), dbSNP rs147598095, ClinGen allele CA6051130.
Genomic context (GRCh38, chr11:62,639,031, plus strand): 5'-GGAAAAATTTACCGGGCTATTGGTGGATCAGCCACCAAAACATCTGGTACACGGTATCGG[G>C]GTCGCCGAGGCTCCAGCTCATCAATCCTGAACCGAGTCATGTTCTTTTGAAGCCCCTGAA-3'
Protein context (NP_938148.1, residues 101-121): FRIDELEPRR[Pro111Arg]RYRVPDVLVA

ClinVar aggregate classification (germline): Conflicting classifications of pathogenicity. Review status: criteria provided, conflicting classifications (1 of 4 stars). 3 submissions from 3 submitters: Uncertain significance (2); Likely benign (1). Last evaluated 2025-09-29.

Conditions:
Inborn genetic diseases. Identifiers: MedGen C0950123, MeSH D030342.
Polycystic kidney disease 3 with or without polycystic liver disease. Also called: Polycystic Kidney and/or Polycystic Liver Disease 3; Polycystic kidney disease 3; POLYCYSTIC KIDNEY DISEASE, ADULT, TYPE III. Identifiers: MedGen C3887964, MONDO:0010916, OMIM 600666.

Allele frequency attached by ClinVar (database versions not stated): ESP Exome Variant Server 0.00015; ExAC 0.00007; TOPMed 0.00010; gnomAD 0.00011; gnomAD exomes 0.00001.
gnomAD v4.1: 28 of 1,613,606 alleles (0.0017%); highest among the groups gnomAD compares: African/African-American, 0.037%; no homozygotes.

Submissions (3):

Labcorp Genetics (formerly Invitae), Labcorp
Classification: Uncertain significance. Last evaluated: 2025-09-29. Review status: criteria provided, single submitter. Criteria: Invitae Variant Classification Sherloc (09022015). Collection method: clinical testing. Allele origin: germline.
Comment: This sequence change replaces proline, which is neutral and non-polar, with arginine, which is basic and polar, at codon 111 of the GANAB protein (p.Pro111Arg). This variant is present in population databases (rs147598095, gnomAD 0.05%). This variant has not been reported in the literature in individuals affected with GANAB-related conditions. ClinVar contains an entry for this variant (Variation ID: 2340079). Invitae Evidence Modeling of protein sequence and biophysical properties (such as structural, functional, and spatial information, amino acid conservation, physicochemical variation, residue mobility, and thermodynamic stability) indicates that this missense variant is not expected to disrupt GANAB protein function with a negative predictive value of 80%. In summary, the available evidence is currently insufficient to determine the role of this variant in disease. Therefore, it has been classified as a Variant of Uncertain Significance.

Fulgent Genetics
Classification: Likely benign for Polycystic kidney disease 3 with or without polycystic liver disease. Last evaluated: 2024-06-25. Review status: criteria provided, single submitter. Criteria: ACMG Guidelines, 2015. Collection method: clinical testing. Allele origin: germline.

Ambry Genetics
Classification: Uncertain significance for Inborn genetic diseases. Last evaluated: 2022-12-28. Review status: criteria provided, single submitter. Criteria: Ambry Variant Classification Scheme 2023. Collection method: clinical testing. Allele origin: germline.